The following is an entry in ClinVar:

ClinVar aggregate classification (germline): Uncertain significance (1 of 4 stars; one submission).

Conditions:
Hereditary cancer-predisposing syndrome. Also called: Neoplastic Syndromes, Hereditary; Tumor predisposition; Hereditary Cancer Syndrome; Hereditary neoplastic syndrome. Identifiers: Orphanet 140162, MedGen C0027672, MeSH D009386, MONDO:0015356.

Submission:

Ambry Genetics
Classification: Uncertain significance for Hereditary cancer-predisposing syndrome. Last evaluated: 2025-09-15. Review status: criteria provided, single submitter. Criteria: Ambry Variant Classification Scheme 2023. Collection method: clinical testing. Allele origin: germline.
Comment: The p.P2649S variant (also known as c.7945C>T), located in coding exon 16 of the BRCA2 gene, results from a C to T substitution at nucleotide position 7945. The proline at codon 2649 is replaced by serine, an amino acid with similar properties. Two saturation genome editing-based studies, including a haploid cell-survival assay and a humanized mouse embryonic stem cell line assay of drug response and survival, demonstrate that this nucleotide substitution is non-functional(Huang H et al. Nature. 2025 Feb;638(8050):528-537; Sahu S et al. Nature. 2025 Feb;638(8050):538-545). This amino acid position is conserved. In addition, this alteration is predicted to be deleterious by in silico analysis. Based on the available evidence, the clinical significance of this variant remains unclear.

Literature cited by the submitters: PubMed 39779848; PubMed 39779857.

NM_000059.4(BRCA2):c.7945C>T (p.Pro2649Ser)

Gene: BRCA2 (BRCA2 DNA repair associated; plus strand). Cytogenetic location: 13q13.1.
Variant type: single nucleotide variant.
Coding change: c.7945C>T on transcript NM_000059.4 (MANE Select); coding-DNA position 7945, C replaced by T.
Protein change: p.Pro2649Ser; replaces proline 2649 with serine.
Molecular consequence: missense variant.
Genome position (GRCh38, 1-based): chr13:32,362,662, C>T. VCF-style: chr13-32362662-C-T. GRCh37 (hg19) VCF-style: chr13-32936799-C-T.
Other names: c.7849C>T, p.Pro2617Ser (NM_001406719.1); c.7945C>T, p.Pro2649Ser (NM_001406720.1); c.3013C>T, p.Pro1005Ser (NM_001406721.1); c.1528C>T, p.Pro510Ser (NM_001406722.1); short protein forms P1005S, P2617S, P2649S, P510S.
Identifiers: ClinVar variation 1761337 (VCV001761337.3), dbSNP rs2137577728, ClinGen allele CA387747233.